The following is an entry in ClinVar:

ClinVar aggregate classification (germline): Uncertain significance. Review status: criteria provided, multiple submitters, no conflicts (2 of 4 stars). 3 submissions from 3 submitters: Uncertain significance (3). Last evaluated 2020-08-27.

Conditions:
Hypertrophic cardiomyopathy. Also called: HYPERTROPHIC MYOCARDIOPATHY. Identifiers: Orphanet 217569, MedGen C0007194, MeSH D002312, MONDO:0005045, HP:0001639.

Allele frequency attached by ClinVar (database versions not stated): gnomAD 0.00001; TOPMed 0.00001; gnomAD exomes below 0.00001.
gnomAD v4.1: 2 of 1,609,138 alleles (0.00012%); highest among the groups gnomAD compares: Non-Finnish European, 0.00017%; no homozygotes.

Submissions (3):

Labcorp Genetics (formerly Invitae), Labcorp
Classification: Uncertain significance for Hypertrophic cardiomyopathy. Last evaluated: 2020-08-27. Review status: criteria provided, single submitter. Criteria: Invitae Variant Classification Sherloc (09022015). Collection method: clinical testing. Allele origin: germline.
Comment: This variant has been observed in individual(s) with hypertrophic cardiomyopathy (PMID: 30297972). ClinVar contains an entry for this variant (Variation ID: 181143). In summary, the available evidence is currently insufficient to determine the role of this variant in disease. Therefore, it has been classified as a Variant of Uncertain Significance. Algorithms developed to predict the effect of missense changes on protein structure and function (SIFT, PolyPhen-2, Align-GVGD) all suggest that this variant is likely to be disruptive, but these predictions have not been confirmed by published functional studies and their clinical significance is uncertain. This variant is not present in population databases (ExAC no frequency). This sequence change replaces tryptophan with arginine at codon 322 of the MYBPC3 protein (p.Trp322Arg). The tryptophan residue is highly conserved and there is a moderate physicochemical difference between tryptophan and arginine.

GeneDx
Classification: Uncertain significance. Last evaluated: 2016-10-04. Review status: criteria provided, single submitter. Criteria: GeneDx Variant Classification (06012015). Collection method: clinical testing. Allele origin: germline. Affected: yes.
Comment: The Trp322Arg variant in the MYBPC3 gene has not been reported previously as a pathogenic variant nor as a benign polymorphism, to our knowledge. Trp322Arg results in a non-conservative amino acid substitution of a non-polar Tryptophan with a positively charged Arginine at a residue that is conserved across species. In silico analysis predicts Trp322Arg is probably damaging to the protein structure/function. A variant in a nearby codon (Val321Met) has been reported in association with cardiomyopathy, supporting the functional importance of this region of the protein. In addition, the Trp322Arg variant was not detected in 488 alleles from control individuals of various ethnic backgrounds, indicating it is not a common benign variant. The variant is found in HCM panel(s).However, based on the currently available information, it is unclear whether this variant is pathogenic or rare benign.

Stanford Center for Inherited Cardiovascular Disease, Stanford University
Classification: Uncertain significance. Last evaluated: 2014-09-01. Review status: criteria provided, single submitter. Criteria: ACMG Guidelines, 2015. Collection method: provider interpretation. Allele origin: germline.

Literature cited by the submitters: PubMed 30297972 (cited by Labcorp Genetics (formerly Invitae), Labcorp).

NM_000256.3(MYBPC3):c.964T>C (p.Trp322Arg)

Gene: MYBPC3 (myosin binding protein C3; minus strand). Cytogenetic location: 11p11.2.
Variant type: single nucleotide variant.
Coding change: c.964T>C on transcript NM_000256.3 (MANE Select); coding-DNA position 964, T replaced by C.
Protein change: p.Trp322Arg; replaces tryptophan 322 with arginine.
Molecular consequence: missense variant.
Genome position (GRCh38, 1-based): chr11:47,346,333, A>G on the plus strand (T>C on the coding strand, the complement: MYBPC3 is on the minus strand). VCF-style: chr11-47346333-A-G. GRCh37 (hg19) VCF-style: chr11-47367884-A-G.
Other names: p.W322R:TGG>CGG; c.964T>C, p.Trp322Arg (LRG_386t1); short protein forms W322R.
Identifiers: ClinVar variation 181143 (VCV000181143.11), dbSNP rs730880708, ClinGen allele CA016197.
Genomic context (GRCh38, chr11:47,346,333, plus strand): 5'-CGCCGTACTGGAAGGCGATGCGCTCGTACTCAGATGGGGGTGCCTGCCGTAGGATCTCCC[A>G]CACGTCCTCCTCTGCTGGTGCCTCCAGCTTCGAGTCCCTGTGTCCCGCAGTCTAGGCTGT-3'
Protein context (NP_000247.2, residues 312-332): KLEAPAEEDV[Trp322Arg]EILRQAPPSE